The following is an entry in ClinVar:

NM_000255.4(MMUT):c.1849CTT[1] (p.Leu618del)

Gene: MMUT (methylmalonyl-CoA mutase; minus strand). Cytogenetic location: 6p12.3.
Variant type: Microsatellite.
Coding change: c.1849CTT[1] on transcript NM_000255.4 (MANE Select); one copy of the 3-base unit CTT starting at c.1849; the reference has two copies in a row; one copy, 3 bases deleted.
Protein change: p.Leu618del; deletes leucine 618.
Molecular consequence: inframe deletion.
Genome position (GRCh38, 1-based): chr6:49,440,308-49,440,310, AAG deleted on the plus strand (CTT on the coding strand, the reverse complement: MMUT is on the minus strand); deleting any 3 consecutive bases within chr6:49,440,308-49,440,314 gives the same sequence; the position shown is the placement nearest the transcript's 3' end. VCF-style (leftmost placement, unchanged base first): chr6-49440307-CAAG-C. GRCh37 (hg19) VCF-style: chr6-49408020-CAAG-C.
Other names: p.leu618del; short protein forms L618del.
Identifiers: ClinVar variation 92683 (VCV000092683.6), dbSNP rs398123277, ClinGen allele CA220548.
Genomic context (GRCh38, chr6:49,440,307, plus strand): 5'-CAAATCCTGTAGCAATAACTTTTGCTCCTCTGTCATGGCCATCTTGTCCCATTTTTGCTA[CAAG>C]AAGACGAGGTCTGCGACCTTCACGTTCCATGAATTTATGAACCCTGAAAAACATTTAAAA-3'

ClinVar aggregate classification (germline): Uncertain significance. Review status: criteria provided, single submitter (1 of 4 stars). 2 submissions from 2 submitters: Uncertain significance (1). 1 of the submissions does not count toward it. Last evaluated 2013-01-21.

Conditions:
Methylmalonic aciduria due to methylmalonyl-CoA mutase deficiency (MAMM). Also called: Methylmalonic aciduria, mut type. Identifiers: Orphanet 27, MedGen C1855114, MONDO:0009612, OMIM 251000.

Submissions (2):

Eurofins Ntd Llc (ga)
Classification: Uncertain significance. Last evaluated: 2013-01-21. Review status: criteria provided, single submitter. Criteria: EGL Classification Definitions 2015. Collection method: clinical testing. Allele origin: germline. Observed: 2 variant alleles, 2 heterozygotes.

Institute of Medical Genetics and Genomics, Sir Ganga Ram Hospital
Classification: Pathogenic for Methylmalonic aciduria due to methylmalonyl-CoA mutase deficiency. Last evaluated: 2012-06-15. Review status: no assertion criteria provided. Collection method: research. Allele origin: germline. Affected: yes. Observed: 1 variant allele. Study: ORGANIC ACIDURIAS. Not counted in ClinVar's aggregate classification.
Comment: Deletion mutation